The following is an entry in ClinVar:

NM_003900.5(SQSTM1):c.1060del (p.Gln354fs)

Gene: SQSTM1 (sequestosome 1; plus strand). Cytogenetic location: 5q35.3.
Variant type: Deletion.
Coding change: c.1060del on transcript NM_003900.5 (MANE Select); coding-DNA position 1060, one base deleted (C; older notation c.1060delC).
Protein change: p.Gln354fs; shifts the reading frame from glutamine 354.
Molecular consequence: frameshift variant.
Genome position (GRCh38, 1-based): chr5:179,833,677, C deleted; the last of 2 consecutive C bases (chr5:179,833,676-179,833,677); deleting either gives the same sequence. VCF-style (leftmost placement, unchanged base first): chr5-179833675-TC-T. GRCh37 (hg19) VCF-style: chr5-179260675-TC-T.
Other names: c.808del, p.Gln270fs (NM_001142298.2, NM_001142299.2); short protein forms Q270fs, Q354fs.
Identifiers: ClinVar variation 1009953 (VCV001009953.7), dbSNP rs1758356210, ClinGen allele CA1085049772.

ClinVar aggregate classification (germline): Uncertain significance (1 of 4 stars; one submission).

Conditions:
Paget disease of bone 2, early-onset (PDB2). Also called: Paget disease of bone 2. Identifiers: MedGen C4085251, MONDO:0011183, OMIM 602080.
Frontotemporal dementia and/or amyotrophic lateral sclerosis 1 (FTDALS1). Also called: C9orf72 Frontotemporal Dementia and/or Amyotrophic Lateral Sclerosis; Frontotemporal dementia with motor neuron disease 1. Identifiers: Orphanet 275872, MedGen C5779877, MONDO:0007105, OMIM 105550.

Submission:

Labcorp Genetics (formerly Invitae), Labcorp
Classification: Uncertain significance for Paget disease of bone 2, early-onset; Frontotemporal dementia and/or amyotrophic lateral sclerosis 1. Last evaluated: 2024-02-06. Review status: criteria provided, single submitter. Criteria: Invitae Variant Classification Sherloc (09022015). Collection method: clinical testing. Allele origin: germline.
Comment: This sequence change creates a premature translational stop signal (p.Gln354Serfs*24) in the SQSTM1 gene. While this is not anticipated to result in nonsense mediated decay, it is expected to disrupt the last 87 amino acid(s) of the SQSTM1 protein. This variant is not present in population databases (gnomAD no frequency). This variant has not been reported in the literature in individuals affected with SQSTM1-related conditions. ClinVar contains an entry for this variant (Variation ID: 1009953). In summary, the available evidence is currently insufficient to determine the role of this variant in disease. Therefore, it has been classified as a Variant of Uncertain Significance.